The following is an entry in ClinVar:

ClinVar aggregate classification (germline): Uncertain significance (1 of 4 stars; one submission).

gnomAD v4.1: 10 of 1,613,676 alleles (0.00062%); highest among the groups gnomAD compares: African/African-American, 0.0027%; no homozygotes.

Submission:

Labcorp Genetics (formerly Invitae), Labcorp
Classification: Uncertain significance. Last evaluated: 2025-10-06. Review status: criteria provided, single submitter. Criteria: Invitae Variant Classification Sherloc (09022015). Collection method: clinical testing. Allele origin: germline.
Comment: This sequence change replaces arginine, which is basic and polar, with glycine, which is neutral and non-polar, at codon 19 of the PUS3 protein (p.Arg19Gly). This variant is present in population databases (no rsID available, gnomAD 0.004%). This variant has not been reported in the literature in individuals affected with PUS3-related conditions. Invitae Evidence Modeling of protein sequence and biophysical properties (such as structural, functional, and spatial information, amino acid conservation, physicochemical variation, residue mobility, and thermodynamic stability) indicates that this missense variant is expected to disrupt PUS3 protein function with a positive predictive value of 80%. In summary, the available evidence is currently insufficient to determine the role of this variant in disease. Therefore, it has been classified as a Variant of Uncertain Significance.

NM_031307.4(PUS3):c.55C>G (p.Arg19Gly)

Genes: HYLS1 (HYLS1 centriolar and ciliogenesis associated; plus strand), PUS3 (pseudouridine synthase 3; minus strand). Cytogenetic location: 11q24.2.
Variant type: single nucleotide variant.
Coding change: c.55C>G on transcript NM_031307.4 (MANE Select); coding-DNA position 55, C replaced by G.
Protein change: p.Arg19Gly; replaces arginine 19 with glycine.
Molecular consequence: missense variant. On other transcripts: intron variant (7).
Genome position (GRCh38, 1-based): chr11:125,896,230, G>C on the plus strand (C>G on the coding strand, the complement: PUS3 is on the minus strand). VCF-style: chr11-125896230-G-C. GRCh37 (hg19) VCF-style: chr11-125766125-G-C.
Other names: c.55C>G, p.Arg19Gly (NM_001441237.1, NM_001441239.1, NM_001441240.1 and 1 more transcripts); c.-80-2874G>C (NM_145014.3); c.-25-3114G>C (NM_001134793.2, NM_001377269.1); c.-22-3117G>C (NM_001424364.1, NM_001377270.1); c.-246-441C>G (NM_001271985.2, NM_001441238.1); short protein forms R19G.
Identifiers: ClinVar variation 4694742 (VCV004694742.1).